The following is an entry in ClinVar:

ClinVar aggregate classification (germline): Conflicting classifications of pathogenicity. Review status: criteria provided, conflicting classifications (1 of 4 stars). 4 submissions from 3 submitters: Uncertain significance (3); Likely benign (1). Last evaluated 2023-02-08.

Conditions:
Inborn genetic diseases. Identifiers: MedGen C0950123, MeSH D030342.
Spinocerebellar ataxia, autosomal recessive, with axonal neuropathy 2 (SCAN2). Also called: Ataxia with Oculomotor Apraxia Type 2; Ataxia-ocular apraxia-2; ATAXIA-OCULOMOTOR APRAXIA 2; Ataxia with Oculomotor Apraxia. Identifiers: Orphanet 64753, MedGen C1853761, MONDO:0018996, OMIM 606002.
Amyotrophic lateral sclerosis type 4 (ALS4). Also called: AMYOTROPHIC LATERAL SCLEROSIS 4, JUVENILE; NEURONOPATHY, DISTAL HEREDITARY MOTOR, WITH PYRAMIDAL FEATURES. Identifiers: Orphanet 357043, MedGen C1865409, MONDO:0011223, OMIM 602433.

Allele frequency attached by ClinVar (database versions not stated): gnomAD exomes below 0.00001.

Submissions (4):

Genome-Nilou Lab
Classification: Uncertain significance for Spinocerebellar ataxia, autosomal recessive, with axonal neuropathy 2. Last evaluated: 2023-02-08. Review status: criteria provided, single submitter. Criteria: ACMG Guidelines, 2015. Collection method: clinical testing. Allele origin: germline.

Genome-Nilou Lab
Classification: Likely benign for Amyotrophic lateral sclerosis type 4. Last evaluated: 2023-02-08. Review status: criteria provided, single submitter. Criteria: ACMG Guidelines, 2015. Collection method: clinical testing. Allele origin: germline.

ARUP Laboratories, Molecular Genetics and Genomics, ARUP Laboratories
Classification: Uncertain significance. Last evaluated: 2022-01-21. Review status: criteria provided, single submitter. Criteria: ARUP Molecular Germline Variant Investigation Process 2021. Collection method: clinical testing. Allele origin: germline.
Comment: The SETX c.7856A>G; p.Gln2619Arg variant (rs1421049695), to our knowledge, is not reported in the medical literature or gene specific databases. This variant is only observed on one allele in the Genome Aggregation Database, indicating it is not a common polymorphism. The glutamine at codon 2619 is weakly conserved, and computational analyses predict that this variant is neutral (REVEL: 0.141). Due to limited information, the clinical significance of this variant is uncertain at this time.

Ambry Genetics
Classification: Uncertain significance for Inborn genetic diseases. Last evaluated: 2021-06-07. Review status: criteria provided, single submitter. Criteria: Ambry Variant Classification Scheme 2023. Collection method: clinical testing. Allele origin: germline.
Comment: The p.Q2619R variant (also known as c.7856A>G), located in coding exon 24 of the SETX gene, results from an A to G substitution at nucleotide position 7856. The glutamine at codon 2619 is replaced by arginine, an amino acid with highly similar properties. This amino acid position is poorly conserved in available vertebrate species. In addition, this alteration is predicted to be tolerated by in silico analysis. Since supporting evidence is limited at this time, the clinical significance of this alteration remains unclear.

NM_015046.7(SETX):c.7856A>G (p.Gln2619Arg)

Gene: SETX (senataxin; minus strand). Cytogenetic location: 9q34.13.
Variant type: single nucleotide variant.
Coding change: c.7856A>G on transcript NM_015046.7 (MANE Select); coding-DNA position 7856, A replaced by G.
Protein change: p.Gln2619Arg; replaces glutamine 2619 with arginine.
Molecular consequence: missense variant.
Genome position (GRCh38, 1-based): chr9:132,264,417, T>C on the plus strand (A>G on the coding strand, the complement: SETX is on the minus strand). VCF-style: chr9-132264417-T-C. GRCh37 (hg19) VCF-style: chr9-135139804-T-C.
Other names: c.7856A>G, p.Gln2619Arg (NM_001351527.2); c.7943A>G, p.Gln2648Arg (NM_001351528.2); short protein forms Q2619R, Q2648R.
Identifiers: ClinVar variation 1679473 (VCV001679473.9), dbSNP rs1421049695, ClinGen allele CA375321305.